The following is an entry in ClinVar:

ClinVar aggregate classification (germline): Conflicting classifications of pathogenicity. Review status: criteria provided, conflicting classifications (1 of 4 stars). 7 submissions from 7 submitters: Uncertain significance (2); Likely benign (3). 2 of the submissions do not count toward it. Last evaluated 2026-04-01.

Conditions:
CBL-related disorder. Also called: NOONAN SYNDROME-LIKE DISORDER WITHOUT JUVENILE MYELOMONOCYTIC LEUKEMIA; CBL MUTATION-ASSOCIATED SYNDROME; CBL SYNDROME. Identifiers: Orphanet 363972, MedGen C3150803, MONDO:0013308, OMIM 613563.
RASopathy. Also called: rasopathies; Noonan spectrum disorder. Identifiers: Orphanet 536391, MedGen C5555857, MONDO:0021060.

Allele frequency attached by ClinVar (database versions not stated): 1000 Genomes Project 0.00020; gnomAD exomes 0.00004 and 0.00006; ExAC 0.00005; TOPMed 0.00008; gnomAD 0.00011; ESP Exome Variant Server 0.00015; 1000 Genomes Project 30x 0.00016.
gnomAD v4.1: 69 of 1,614,162 alleles (0.0043%); highest among the groups gnomAD compares: African/African-American, 0.052%; no homozygotes.

Submissions (7):

CeGaT Center for Human Genetics Tuebingen
Classification: Uncertain significance. Last evaluated: 2026-04-01. Review status: criteria provided, single submitter. Criteria: CeGaT Center For Human Genetics Tuebingen Variant Classification Criteria Version 2. Collection method: clinical testing. Allele origin: germline. Affected: yes. Observed: 1 variant allele.

Labcorp Genetics (formerly Invitae), Labcorp
Classification: Likely benign for RASopathy. Last evaluated: 2026-01-07. Review status: criteria provided, single submitter. Criteria: Invitae Variant Classification Sherloc (09022015). Collection method: clinical testing. Allele origin: germline.

PreventionGenetics, part of Exact Sciences
Classification: Likely benign for CBL-related condition. Last evaluated: 2025-03-13. Review status: criteria provided, single submitter. Criteria: ACMG Guidelines, 2015. Collection method: clinical testing. Allele origin: germline.
Comment: This variant is classified as likely benign based on ACMG/AMP sequence variant interpretation guidelines (Richards et al. 2015 PMID: 25741868, with internal and published modifications).

Women's Health and Genetics/Laboratory Corporation of America, LabCorp
Classification: Uncertain significance. Last evaluated: 2022-11-28. Review status: criteria provided, single submitter. Criteria: LabCorp Variant Classification Summary - May 2015. Collection method: clinical testing. Allele origin: germline.
Comment: Variant summary: CBL c.2360G>A (p.Arg787His) results in a non-conservative amino acid change in the encoded protein sequence. Three of five in-silico tools predict a damaging effect of the variant on protein function. The variant allele was found at a frequency of 6e-05 in 251462 control chromosomes (gnomAD). To our knowledge, no occurrence of c.2360G>A in individuals affected with Noonan Syndrome-Like Disorder and no experimental evidence demonstrating its impact on protein function have been reported. Two ClinVar submitters (evaluation after 2014) cite this variant as likely benign. Based on the evidence outlined above, the variant was classified as uncertain significance.

GeneDx
Classification: Likely benign. Last evaluated: 2016-09-30. Review status: criteria provided, single submitter. Criteria: GeneDx Variant Classification (06012015). Collection method: clinical testing. Allele origin: germline. Affected: yes.
Comment: This variant is considered likely benign or benign based on one or more of the following criteria: it is a conservative change, it occurs at a poorly conserved position in the protein, it is predicted to be benign by multiple in silico algorithms, and/or has population frequency not consistent with disease.

Clinical Genetics, Academic Medical Center
Classification: Benign. Review status: no assertion criteria provided. Collection method: clinical testing. Allele origin: germline. Affected: yes. Study: VKGL Data-share Consensus. Not counted in ClinVar's aggregate classification.

Laboratory of Diagnostic Genome Analysis, Leiden University Medical Center (LUMC)
Classification: Likely benign. Review status: no assertion criteria provided. Collection method: clinical testing. Allele origin: germline. Affected: yes. Study: VKGL Data-share Consensus. Not counted in ClinVar's aggregate classification.

NM_005188.4(CBL):c.2360G>A (p.Arg787His)

Gene: CBL (Cbl proto-oncogene; plus strand). Cytogenetic location: 11q23.3.
Variant type: single nucleotide variant.
Coding change: c.2360G>A on transcript NM_005188.4 (MANE Select); coding-DNA position 2360, G replaced by A.
Protein change: p.Arg787His; replaces arginine 787 with histidine.
Molecular consequence: missense variant.
Genome position (GRCh38, 1-based): chr11:119,298,466, G>A. VCF-style: chr11-119298466-G-A. GRCh37 (hg19) VCF-style: chr11-119169176-G-A.
Other names: p.R787H:CGC>CAC; short protein forms R787H.
Identifiers: ClinVar variation 40423 (VCV000040423.20), dbSNP rs200220863, ClinGen allele CA282049.